The following is an entry in ClinVar:

ClinVar aggregate classification (germline): Pathogenic (1 of 4 stars; one submission).

Conditions:
Familial adenomatous polyposis 1 (FAP1). Also called: FAMILIAL ADENOMATOUS POLYPOSIS 1, ATTENUATED; POLYPOSIS, ADENOMATOUS INTESTINAL. Identifiers: MedGen C2713442, MONDO:0021056, OMIM 175100. Disease mechanism: loss of function.

Submission:

Labcorp Genetics (formerly Invitae), Labcorp
Classification: Pathogenic for Familial adenomatous polyposis 1. Last evaluated: 2024-03-08. Review status: criteria provided, single submitter. Criteria: Invitae Variant Classification Sherloc (09022015). Collection method: clinical testing. Allele origin: germline.
Comment: This sequence change creates a premature translational stop signal (p.Ser2432Lysfs*30) in the APC gene. While this is not anticipated to result in nonsense mediated decay, it is expected to disrupt the last 412 amino acid(s) of the APC protein. This variant is not present in population databases (gnomAD no frequency). This variant has not been reported in the literature in individuals affected with APC-related conditions. A different truncation (p.Tyr2645Lysfs*14) that lies downstream of this variant has been determined to be pathogenic (PMID: 9824584, 1316610, 27081525, 8381579, 22135120, Invitae). This suggests that deletion of this region of the APC protein is causative of disease. This variant disrupts a region of the APC protein in which other variant(s) (p.Tyr2645Lysfs*14) have been determined to be pathogenic (PMID: 1316610, 8381579, 9824584, 22135120, 27081525; Invitae). This suggests that this is a clinically significant region of the protein, and that variants that disrupt it are likely to be disease-causing. For these reasons, this variant has been classified as Pathogenic.

Literature cited by the submitters: PubMed 9824584; PubMed 1316610; PubMed 27081525; PubMed 8381579; PubMed 22135120.

NM_000038.6(APC):c.7294_7298del (p.Ser2432fs)

Gene: APC (APC regulator of Wnt signaling pathway; plus strand). Cytogenetic location: 5q22.2.
Variant type: Deletion.
Coding change: c.7294_7298del on transcript NM_000038.6 (MANE Select); coding-DNA positions 7294 to 7298, 5 bases deleted (TCAGA; older notation c.7294_7298delTCAGA).
Protein change: p.Ser2432fs; shifts the reading frame from serine 2432.
Molecular consequence: frameshift variant. On other transcripts: non-coding transcript variant (2).
Genome position (GRCh38, 1-based): chr5:112,842,888-112,842,892, TCAGA deleted; deleting any 5 consecutive bases within chr5:112,842,885-112,842,892 gives the same sequence; the c. name uses the placement nearest the transcript's 3' end. VCF-style (leftmost placement, unchanged base first): chr5-112842884-TAGATC-T. GRCh37 (hg19) VCF-style: chr5-112178581-TAGATC-T.
Other names: c.7294_7298del, p.Ser2432fs (NM_001127510.3, NM_001354895.2, NM_001407450.1); c.7240_7244del, p.Ser2414fs (NM_001127511.3); c.7348_7352del, p.Ser2450fs (NM_001354896.2, NM_001407447.1, NM_001407448.1 and 1 more transcripts); c.7324_7328del, p.Ser2442fs (NM_001354897.2); c.7219_7223del, p.Ser2407fs (NM_001354898.2); c.7210_7214del, p.Ser2404fs (NM_001354899.2); c.7171_7175del, p.Ser2391fs (NM_001354900.2); c.7117_7121del, p.Ser2373fs (NM_001354901.2, NM_001407453.1); and 11 more; short protein forms S2048fs, S2306fs, S2414fs, S2450fs, S2272fs, S2391fs, S2404fs, S2422fs.
Identifiers: ClinVar variation 3719292 (VCV003719292.2).